The following is an entry in ClinVar:

NM_001130823.3(DNMT1):c.1281T>C (p.Ser427=)

Gene: DNMT1 (DNA methyltransferase 1; minus strand). Cytogenetic location: 19p13.2.
Variant type: single nucleotide variant.
Coding change: c.1281T>C on transcript NM_001130823.3 (MANE Select); coding-DNA position 1281, T replaced by C.
Protein change: p.Ser427=; no amino-acid change (serine 427 retained).
Molecular consequence: synonymous variant.
Genome position (GRCh38, 1-based): chr19:10,156,509, A>G on the plus strand (T>C on the coding strand, the complement: DNMT1 is on the minus strand). VCF-style: chr19-10156509-A-G. GRCh37 (hg19) VCF-style: chr19-10267185-A-G.
Other names: c.1281T>C (LRG_362t1); c.1233T>C, p.Ser411= (NM_001318730.2, NM_001379.4); c.918T>C, p.Ser306= (NM_001318731.2).
Identifiers: ClinVar variation 539623 (VCV000539623.6), dbSNP rs1555691724, ClinGen allele CA505346897.

ClinVar aggregate classification (germline): Uncertain significance (1 of 4 stars; one submission).

Conditions:
Hereditary sensory neuropathy-deafness-dementia syndrome. Also called: Hereditary sensory neuropathy type IE; NEUROPATHY, HEREDITARY SENSORY, WITH HEARING LOSS AND DEMENTIA; Hereditary Sensory and Autonomic Neuropathy Type 1E (HSAN1E); HSN IE. Identifiers: Orphanet 456318, MedGen C3279885, MONDO:0013584, OMIM 614116.

Submission:

Labcorp Genetics (formerly Invitae), Labcorp
Classification: Uncertain significance for Hereditary sensory neuropathy-deafness-dementia syndrome. Last evaluated: 2021-09-30. Review status: criteria provided, single submitter. Criteria: Invitae Variant Classification Sherloc (09022015). Collection method: clinical testing. Allele origin: germline.
Comment: This sequence change affects codon 427 of the DNMT1 mRNA. It is a 'silent' change, meaning that it does not change the encoded amino acid sequence of the DNMT1 protein. This variant is not present in population databases (ExAC no frequency). This variant has not been reported in the literature in individuals with DNMT1-related disease. ClinVar contains an entry for this variant (Variation ID: 539623). Algorithms developed to predict the effect of sequence changes on RNA splicing suggest that this variant is not likely to affect RNA splicing, but this prediction has not been confirmed by published transcriptional studies. In summary, the available evidence is currently insufficient to determine the role of this variant in disease. Therefore, it has been classified as a Variant of Uncertain Significance.